The following is an entry in ClinVar:

ClinVar aggregate classification (germline): Benign (1 of 4 stars; one submission).

Conditions:
Familial cancer of breast. Also called: BREAST CANCER, FAMILIAL; Hereditary breast cancer; hereditary breast carcinoma. Identifiers: Orphanet 227535, MedGen C0346153, MONDO:0016419, OMIM 114480. Disease mechanism: loss of function.

Submission:

Myriad Genetics, Inc.
Classification: Benign for Familial cancer of breast. Last evaluated: 2024-04-19. Review status: criteria provided, single submitter. Criteria: Myriad Autosomal Dominant, Autosomal Recessive and X-Linked Classification Criteria (2023). Collection method: clinical testing. Allele origin: unknown.
Comment: This variant is considered benign. This variant is a silent/synonymous amino acid change and it is not expected to impact splicing.

NM_000051.4(ATM):c.405T>C (p.Ala135=)

Gene: ATM (ATM serine/threonine kinase; plus strand). Cytogenetic location: 11q22.3.
Variant type: single nucleotide variant.
Coding change: c.405T>C on transcript NM_000051.4 (MANE Select); coding-DNA position 405, T replaced by C.
Protein change: p.Ala135=; no amino-acid change (alanine 135 retained).
Molecular consequence: synonymous variant.
Genome position (GRCh38, 1-based): chr11:108,235,743, T>C. VCF-style: chr11-108235743-T-C. GRCh37 (hg19) VCF-style: chr11-108106470-T-C.
Other names: c.405T>C, p.Ala135= (NM_001351834.2).
Identifiers: ClinVar variation 3253960 (VCV003253960.1), dbSNP rs2135123254.